The following is an entry in ClinVar:

ClinVar aggregate classification (germline): Uncertain significance. Review status: criteria provided, multiple submitters, no conflicts (2 of 4 stars). 10 submissions from 10 submitters: Uncertain significance (10). Last evaluated 2025-12-31.

Conditions:
Familial ovarian cancer. Identifiers: MedGen C5679802, MONDO:0016248.
Familial cancer of breast. Also called: Hereditary breast cancer; hereditary breast carcinoma; BREAST CANCER, FAMILIAL. Identifiers: Orphanet 227535, MedGen C0346153, MONDO:0016419, OMIM 114480. Disease mechanism: loss of function.
Fanconi anemia complementation group J. Also called: BRIP1-Related Fanconi Anemia. Identifiers: Orphanet 84, MedGen C1836860, MONDO:0012187, OMIM 609054.
Hereditary cancer. Identifiers: MedGen C1333600.
Hereditary cancer-predisposing syndrome. Also called: Tumor predisposition; Hereditary neoplastic syndrome; Hereditary Cancer Syndrome; Neoplastic Syndromes, Hereditary. Identifiers: Orphanet 140162, MedGen C0027672, MeSH D009386, MONDO:0015356.

Allele frequency attached by ClinVar (database versions not stated): gnomAD exomes below 0.00001; TOPMed 0.00001; gnomAD 0.00002.
gnomAD v4.1: 6 of 1,613,990 alleles (0.00037%); highest among the groups gnomAD compares: Non-Finnish European, 0.00042%; no homozygotes.

Submissions (10):

Labcorp Genetics (formerly Invitae), Labcorp
Classification: Uncertain significance for Familial cancer of breast; Fanconi anemia complementation group J. Last evaluated: 2025-12-31. Review status: criteria provided, single submitter. Criteria: Invitae Variant Classification Sherloc (09022015). Collection method: clinical testing. Allele origin: germline.
Comment: This sequence change replaces glutamine, which is neutral and polar, with arginine, which is basic and polar, at codon 869 of the BRIP1 protein (p.Gln869Arg). This variant is present in population databases (no rsID available, gnomAD 0.002%). This missense change has been observed in individual(s) with ovarian cancer (PMID: 26315354). ClinVar contains an entry for this variant (Variation ID: 407799). Invitae Evidence Modeling of protein sequence and biophysical properties (such as structural, functional, and spatial information, amino acid conservation, physicochemical variation, residue mobility, and thermodynamic stability) indicates that this missense variant is not expected to disrupt BRIP1 protein function with a negative predictive value of 95%. In summary, the available evidence is currently insufficient to determine the role of this variant in disease. Therefore, it has been classified as a Variant of Uncertain Significance.

Praxis Für Humangenetik, Biosciencia MVZ Labor Saar
Classification: Uncertain significance for Familial cancer of breast. Last evaluated: 2025-10-15. Review status: criteria provided, single submitter. Criteria: ACMG Guidelines, 2015. Collection method: clinical testing. Allele origin: germline.
Comment: PM2

Ambry Genetics
Classification: Uncertain significance for Hereditary cancer-predisposing syndrome. Last evaluated: 2025-10-12. Review status: criteria provided, single submitter. Criteria: Ambry Variant Classification Scheme 2023. Collection method: clinical testing. Allele origin: germline.
Comment: The p.Q869R variant (also known as c.2606A>G), located in coding exon 18 of the BRIP1 gene, results from an A to G substitution at nucleotide position 2606. The glutamine at codon 869 is replaced by arginine, an amino acid with highly similar properties. In one study, this alteration was observed in 1/3236 cases with invasive epithelial ovarian cancer and 0/3431 controls (Ramus SJ et al. J. Natl. Cancer Inst., 2015 Nov;107:). This amino acid position is well conserved in available vertebrate species. In addition, this alteration is predicted to be tolerated by in silico analysis. Since supporting evidence is limited at this time, the clinical significance of this alteration remains unclear.

Color Diagnostics, LLC DBA Color Health
Classification: Uncertain significance for Hereditary cancer-predisposing syndrome. Last evaluated: 2025-08-05. Review status: criteria provided, single submitter. Criteria: ACMG Guidelines, 2015. Collection method: clinical testing. Allele origin: germline.
Comment: This missense variant replaces glutamine with arginine at codon 869 of the BRIP1 protein. Computational prediction suggests that this variant may not impact protein structure and function. To our knowledge, functional studies have not been reported for this variant. This variant has been detected in an individual affected with ovarian cancer (PMID: 26315354) and in a breast cancer case-control meta-analysis in 1/60466 cases and 0/53461 unaffected individuals (PMID: 33471991Leiden Open Variation Database DB-ID BRIP1_000380). This variant has been identified in 2/282186 chromosomes in the general population by the Genome Aggregation Database (gnomAD). The available evidence is insufficient to determine the role of this variant in disease conclusively. Therefore, this variant is classified as a Variant of Uncertain Significance.

Center for Genomic Medicine, Rigshospitalet, Copenhagen University Hospital
Classification: Uncertain significance. Last evaluated: 2025-03-04. Review status: criteria provided, single submitter. Criteria: ACMG Guidelines, 2015. Collection method: clinical testing. Allele origin: germline.

Mendelics
Classification: Uncertain significance for Hereditary cancer. Last evaluated: 2025-02-26. Review status: criteria provided, single submitter. Criteria: ACMG Guidelines, 2015. Collection method: clinical testing. Allele origin: unknown.
Comment: The available evidence is insufficient to conclusively determine the role of this variant. Therefore, it is classified as a Variant of Uncertain Significance.

Molecular Pathology, Peter Maccallum Cancer Centre
Classification: Uncertain significance for Familial ovarian cancer. Last evaluated: 2024-08-21. Review status: criteria provided, single submitter. Criteria: ACMG Guidelines, 2015. Collection method: clinical testing. Allele origin: germline. Inheritance: Autosomal dominant inheritance.

Baylor Genetics
Classification: Uncertain significance for Familial cancer of breast. Last evaluated: 2023-06-21. Review status: criteria provided, single submitter. Criteria: ACMG Guidelines, 2015. Collection method: clinical testing. Allele origin: unknown.

GeneDx
Classification: Uncertain significance. Last evaluated: 2022-02-09. Review status: criteria provided, single submitter. Criteria: GeneDx Variant Classification Process June 2021. Collection method: clinical testing. Allele origin: germline. Affected: yes.
Comment: Not observed at significant frequency in large population cohorts (gnomAD); In silico analysis supports that this missense variant does not alter protein structure/function; Observed in an individual with ovarian cancer in published literature (Ramus 2015); This variant is associated with the following publications: (PMID: 26315354)

Department of Pathology and Laboratory Medicine, Sinai Health System
Classification: Uncertain significance for familial ovarian cancer. Last evaluated: 2020-01-06. Review status: criteria provided, single submitter. Criteria: ACMG Guidelines, 2015. Collection method: clinical testing. Allele origin: germline. Affected: yes.

Literature cited by the submitters: PubMed 26315354 (cited by 4 submitters); PubMed 33471991 (cited by Color Diagnostics, LLC DBA Color Health).

NM_032043.3(BRIP1):c.2606A>G (p.Gln869Arg)

Gene: BRIP1 (BRCA1 interacting DNA helicase 1; minus strand). Cytogenetic location: 17q23.2.
Variant type: single nucleotide variant.
Coding change: c.2606A>G on transcript NM_032043.3 (MANE Select); coding-DNA position 2606, A replaced by G.
Protein change: p.Gln869Arg; replaces glutamine 869 with arginine.
Molecular consequence: missense variant.
Genome position (GRCh38, 1-based): chr17:61,686,135, T>C on the plus strand (A>G on the coding strand, the complement: BRIP1 is on the minus strand). VCF-style: chr17-61686135-T-C. GRCh37 (hg19) VCF-style: chr17-59763496-T-C.
Other names: short protein forms Q869R.
Identifiers: ClinVar variation 407799 (VCV000407799.28), dbSNP rs1060501733, ClinGen allele CA16615498.